The following is an entry in ClinVar:

ClinVar aggregate classification (germline): Uncertain significance. Review status: criteria provided, multiple submitters, no conflicts (2 of 4 stars). 3 submissions from 3 submitters: Uncertain significance (3). Last evaluated 2025-12-10.

Conditions:
Cardiovascular phenotype. Identifiers: MedGen CN230736.
Dilated cardiomyopathy 1W (CMD1W). Identifiers: Orphanet 154, MedGen C1969639, MONDO:0012667, OMIM 611407.

Allele frequency attached by ClinVar (database versions not stated): gnomAD exomes below 0.00001.
gnomAD v4.1: 2 of 1,613,746 alleles (0.00012%); highest among the groups gnomAD compares: Non-Finnish European, 0.00017%; no homozygotes.

Submissions (3):

Labcorp Genetics (formerly Invitae), Labcorp
Classification: Uncertain significance for Dilated cardiomyopathy 1W. Last evaluated: 2025-12-10. Review status: criteria provided, single submitter. Criteria: Invitae Variant Classification Sherloc (09022015). Collection method: clinical testing. Allele origin: germline.
Comment: This sequence change replaces arginine, which is basic and polar, with cysteine, which is neutral and slightly polar, at codon 993 of the VCL protein (p.Arg993Cys). This variant is not present in population databases (gnomAD no frequency). This variant has not been reported in the literature in individuals affected with VCL-related conditions. ClinVar contains an entry for this variant (Variation ID: 1800805). An algorithm developed to predict the effect of missense changes on protein structure and function (PolyPhen-2) suggests that this variant is likely to be disruptive. In summary, the available evidence is currently insufficient to determine the role of this variant in disease. Therefore, it has been classified as a Variant of Uncertain Significance.

Ambry Genetics
Classification: Uncertain significance for Cardiovascular phenotype. Last evaluated: 2023-06-06. Review status: criteria provided, single submitter. Criteria: Ambry Variant Classification Scheme 2023. Collection method: clinical testing. Allele origin: germline.

GeneDx
Classification: Uncertain significance. Last evaluated: 2022-11-09. Review status: criteria provided, single submitter. Criteria: GeneDx Variant Classification Process June 2021. Collection method: clinical testing. Allele origin: germline. Affected: yes.
Comment: Has not been previously published as pathogenic or benign to our knowledge; Not observed at significant frequency in large population cohorts (gnomAD); In silico analysis supports that this missense variant has a deleterious effect on protein structure/function

NM_014000.3(VCL):c.2977C>T (p.Arg993Cys)

Gene: VCL (vinculin; plus strand). Cytogenetic location: 10q22.2.
Variant type: single nucleotide variant.
Coding change: c.2977C>T on transcript NM_014000.3 (MANE Select); coding-DNA position 2977, C replaced by T.
Protein change: p.Arg993Cys; replaces arginine 993 with cysteine.
Molecular consequence: missense variant.
Genome position (GRCh38, 1-based): chr10:74,114,211, C>T. VCF-style: chr10-74114211-C-T. GRCh37 (hg19) VCF-style: chr10-75873969-C-T.
Other names: c.2773C>T, p.Arg925Cys (NM_003373.4); short protein forms R993C, R925C.
Identifiers: ClinVar variation 1800805 (VCV001800805.8), dbSNP rs1591719960, ClinGen allele CA377266394.